The following is an entry in ClinVar:

ClinVar aggregate classification (germline): Uncertain significance (1 of 4 stars; one submission).

Conditions:
Malignant hyperthermia, susceptibility to, 1 (MHS1). Also called: Anesthesia related hyperthermia; Malignant hyperpyrexia; Fulminating hyperpyrexia; Pharmacogenic myopathy; Malignant hyperthermia suceptibility 1; RYR1-Related Malignant Hyperthermia Susceptibility. Identifiers: Orphanet 423, MedGen C2930980, MONDO:0007783, OMIM 145600.

gnomAD v4.1: 1 of 1,614,066 alleles (0.000062%); no homozygotes.

Submission:

All of Us Research Program, National Institutes of Health
Classification: Uncertain significance for Malignant hyperthermia, susceptibility to, 1. Last evaluated: 2024-06-09. Review status: criteria provided, single submitter. Criteria: ACMG Guidelines, 2015. Collection method: clinical testing. Allele origin: germline. Inheritance: Autosomal dominant inheritance. Observed: 1 variant allele, 1 heterozygote.
Comment: This missense variant replaces alanine with valine at codon 4567 of the RYR1 protein. Computational prediction suggests that this variant may have deleterious impact on protein structure and function (internally defined REVEL score threshold >= 0.7, PMID: 27666373). To our knowledge, functional studies have not been reported for this variant. This variant has not been reported in individuals affected with RYR1-related disorders in the literature. This variant has not been identified in the general population by the Genome Aggregation Database (gnomAD). The available evidence is insufficient to determine the role of this variant in disease conclusively. Therefore, this variant is classified as a Variant of Uncertain Significance.

This study involves interpretation of variants in research participants for the purpose of population health screening. Participant phenotype was not available at the time of variant classification. Additional details can be found in publication PMID: 35346344, PMCID: PMC8962531

NM_000540.3(RYR1):c.13700C>T (p.Ala4567Val)

Gene: RYR1 (ryanodine receptor 1; plus strand). Cytogenetic location: 19q13.2.
Variant type: single nucleotide variant.
Coding change: c.13700C>T on transcript NM_000540.3 (MANE Select); coding-DNA position 13700, C replaced by T.
Protein change: p.Ala4567Val; replaces alanine 4567 with valine.
Molecular consequence: missense variant.
Genome position (GRCh38, 1-based): chr19:38,570,647, C>T. VCF-style: chr19-38570647-C-T. GRCh37 (hg19) VCF-style: chr19-39061287-C-T.
Other names: c.13685C>T, p.Ala4562Val (NM_001042723.2); short protein forms A4562V, A4567V.
Identifiers: ClinVar variation 3385606 (VCV003385606.1).